The following is an entry in ClinVar:

ClinVar aggregate classification (germline): Uncertain significance. Review status: criteria provided, multiple submitters, no conflicts (2 of 4 stars). 2 submissions from 2 submitters: Uncertain significance (2). Last evaluated 2025-10-21.

Conditions:
Hereditary cancer-predisposing syndrome. Also called: Hereditary Cancer Syndrome; Neoplastic Syndromes, Hereditary; Hereditary neoplastic syndrome; Tumor predisposition. Identifiers: Orphanet 140162, MedGen C0027672, MeSH D009386, MONDO:0015356.

Submissions (2):

Ambry Genetics
Classification: Uncertain significance for Hereditary cancer-predisposing syndrome. Last evaluated: 2025-10-21. Review status: criteria provided, single submitter. Criteria: Ambry Variant Classification Scheme 2023. Collection method: clinical testing. Allele origin: germline.
Comment: The p.V618L variant (also known as c.1852G>T), located in coding exon 12 of the CTNNA1 gene, results from a G to T substitution at nucleotide position 1852. The valine at codon 618 is replaced by leucine, an amino acid with highly similar properties. This amino acid position is conserved. In addition, the in silico prediction for this alteration is inconclusive. Based on the available evidence, the clinical significance of this variant remains unclear.

Labcorp Genetics (formerly Invitae), Labcorp
Classification: Uncertain significance. Last evaluated: 2024-04-25. Review status: criteria provided, single submitter. Criteria: Invitae Variant Classification Sherloc (09022015). Collection method: clinical testing. Allele origin: germline.
Comment: This sequence change replaces valine, which is neutral and non-polar, with leucine, which is neutral and non-polar, at codon 618 of the CTNNA1 protein (p.Val618Leu). This variant is not present in population databases (gnomAD no frequency). This variant has not been reported in the literature in individuals affected with CTNNA1-related conditions. Advanced modeling of protein sequence and biophysical properties (such as structural, functional, and spatial information, amino acid conservation, physicochemical variation, residue mobility, and thermodynamic stability) performed at Invitae indicates that this missense variant is not expected to disrupt CTNNA1 protein function with a negative predictive value of 80%. In summary, the available evidence is currently insufficient to determine the role of this variant in disease. Therefore, it has been classified as a Variant of Uncertain Significance.

NM_001903.5(CTNNA1):c.1852G>T (p.Val618Leu)

Gene: CTNNA1 (catenin alpha 1; plus strand). Cytogenetic location: 5q31.2.
Variant type: single nucleotide variant.
Coding change: c.1852G>T on transcript NM_001903.5 (MANE Select); coding-DNA position 1852, G replaced by T.
Protein change: p.Val618Leu; replaces valine 618 with leucine.
Molecular consequence: missense variant.
Genome position (GRCh38, 1-based): chr5:138,925,360, G>T. VCF-style: chr5-138925360-G-T. GRCh37 (hg19) VCF-style: chr5-138261049-G-T.
Other names: c.1759G>T, p.Val587Leu (NM_001323986.2); c.742G>T, p.Val248Leu (NM_001323988.1, NM_001323987.1, NM_001323989.1 and 17 more transcripts); c.1852G>T, p.Val618Leu (NM_001290307.3, NM_001323982.2, NM_001323983.1 and 2 more transcripts); c.1543G>T, p.Val515Leu (NM_001290309.3); c.1483G>T, p.Val495Leu (NM_001290310.3); c.403G>T, p.Val135Leu (NM_001324006.1, NM_001324007.1, NM_001324008.1 and 2 more transcripts); c.649G>T, p.Val217Leu (NM_001324011.1); c.499G>T, p.Val167Leu (NM_001324012.1, NM_001324013.1); and 1 more; short protein forms V618L, V167L, V495L, V217L, V248L, V135L, V515L, V587L.
Identifiers: ClinVar variation 3651234 (VCV003651234.3).